The following is an entry in ClinVar:

ClinVar aggregate classification (germline): Uncertain significance (1 of 4 stars; one submission).

Conditions:
Mitochondrial complex II deficiency, nuclear type 1. Also called: SUCCINATE CoQ REDUCTASE DEFICIENCY. Identifiers: Orphanet 3208, MedGen C5700310, MONDO:0100294, OMIM 252011.
Pheochromocytoma/paraganglioma syndrome 5. Also called: Paragangliomas 5; SDHA-Related Hereditary Paraganglioma-Pheochromocytoma Syndrome. Identifiers: Orphanet 29072, MedGen C3279992, MONDO:0013602, OMIM 614165.

Submission:

Labcorp Genetics (formerly Invitae), Labcorp
Classification: Uncertain significance for Pheochromocytoma/paraganglioma syndrome 5; Mitochondrial complex II deficiency, nuclear type 1. Last evaluated: 2022-10-27. Review status: criteria provided, single submitter. Criteria: Invitae Variant Classification Sherloc (09022015). Collection method: clinical testing. Allele origin: germline.
Comment: In summary, the available evidence is currently insufficient to determine the role of this variant in disease. Therefore, it has been classified as a Variant of Uncertain Significance. This variant disrupts the p.Gly581 amino acid residue in SDHA. Other variant(s) that disrupt this residue have been determined to be pathogenic (PMID: 30877234; Invitae). This suggests that this residue is clinically significant, and that variants that disrupt this residue are likely to be disease-causing. Advanced modeling of protein sequence and biophysical properties (such as structural, functional, and spatial information, amino acid conservation, physicochemical variation, residue mobility, and thermodynamic stability) performed at Invitae indicates that this missense variant is not expected to disrupt SDHA protein function. This variant has not been reported in the literature in individuals affected with SDHA-related conditions. This variant is not present in population databases (gnomAD no frequency). This sequence change replaces glycine, which is neutral and non-polar, with glutamic acid, which is acidic and polar, at codon 581 of the SDHA protein (p.Gly581Glu).

Literature cited by the submitters: PubMed 30877234.

NM_004168.4(SDHA):c.1742G>A (p.Gly581Glu)

Gene: SDHA (succinate dehydrogenase complex flavoprotein subunit A; plus strand). Cytogenetic location: 5p15.33.
Variant type: single nucleotide variant.
Coding change: c.1742G>A on transcript NM_004168.4 (MANE Select); coding-DNA position 1742, G replaced by A.
Protein change: p.Gly581Glu; replaces glycine 581 with glutamic acid.
Molecular consequence: missense variant. On other transcripts: intron variant (1).
Genome position (GRCh38, 1-based): chr5:251,416, G>A. VCF-style: chr5-251416-G-A. GRCh37 (hg19) VCF-style: chr5-251531-G-A.
Other names: c.1598G>A, p.Gly533Glu (NM_001294332.2); c.1552-2977G>A (NM_001330758.2); short protein forms G581E, G533E.
Identifiers: ClinVar variation 2928397 (VCV002928397.3), dbSNP rs2477458537, ClinGen allele CA359000223.